The following is an entry in ClinVar:

ClinVar aggregate classification (germline): Pathogenic/Likely pathogenic. Review status: criteria provided, multiple submitters, no conflicts (2 of 4 stars). 2 submissions from 2 submitters: Pathogenic (1); Likely pathogenic (1). Last evaluated 2024-05-27.

Conditions:
MYO7A-related disorder. Also called: MYO7A-related disorders.
Retinal dystrophy. Also called: Inherited retinal dystrophy. Identifiers: Orphanet 71862, MedGen C0854723, MeSH D058499, MONDO:0019118, HP:0000556.

Submissions (2):

Ophthalmic Genetics Group, Institute of Molecular and Clinical Ophthalmology Basel
Classification: Pathogenic for Retinal dystrophy. Last evaluated: 2024-05-27. Review status: criteria provided, single submitter. Criteria: ACMG Guidelines, 2015. Collection method: research. Allele origin: germline. Affected: yes. Observed: 1 variant allele.
Comment: This variant was classified as Pathogenic based on ACMG criteria: PVS1_very strong, PM2_sup and PP1_strong

Blueprint Genetics
Classification: Likely pathogenic for MYO7A-related disorders. Last evaluated: 2019-11-28. Review status: criteria provided, single submitter. Criteria: ACMG Guidelines, 2015. Collection method: clinical testing. Allele origin: germline. Affected: yes. Observed: 1 variant allele.

Literature cited by the submitters: PubMed 40180963 (cited by Ophthalmic Genetics Group, Institute of Molecular and Clinical Ophthalmology Basel).

NM_000260.4(MYO7A):c.1938del (p.Phe647fs)

Gene: MYO7A (myosin VIIA; plus strand). Cytogenetic location: 11q13.5.
Variant type: Deletion.
Coding change: c.1938del on transcript NM_000260.4 (MANE Select); coding-DNA position 1938, one base deleted (G; older notation c.1938delG).
Protein change: p.Phe647fs; shifts the reading frame from phenylalanine 647.
Molecular consequence: frameshift variant.
Genome position (GRCh38, 1-based): chr11:77,174,758, G deleted. VCF-style (leftmost placement, unchanged base first): chr11-77174757-TG-T. GRCh37 (hg19) VCF-style: chr11-76885803-TG-T.
Other names: NC_000011.9:g.76885804del; NP_000251.3:p.(Phe647SerfsTer15); c.1938del, p.Phe647fs (NM_001127180.2); c.1905del, p.Phe636fs (NM_001369365.1); c.1938delG (NM_000260.4); short protein forms F636fs, F647fs.
Identifiers: ClinVar variation 3381810 (VCV003381810.3).